The following is an entry in ClinVar:

NM_005589.4(ALDH6A1):c.14_16dup (p.Leu5_Ala6insVal)

Gene: ALDH6A1 (aldehyde dehydrogenase 6 family member A1; minus strand). Cytogenetic location: 14q24.3.
Variant type: Duplication.
Coding change: c.14_16dup on transcript NM_005589.4 (MANE Select); coding-DNA positions 14 to 16, 3 bases duplicated (TGG; older notation c.14_16dupTGG).
Protein change: p.Leu5_Ala6insVal.
Molecular consequence: inframe insertion. On other transcripts: 5 prime UTR variant (1).
Genome position (GRCh38, 1-based): chr14:74,084,379-74,084,381, CCA duplicated on the plus strand (TGG on the coding strand, the reverse complement: ALDH6A1 is on the minus strand). VCF-style (leftmost placement, unchanged base first): chr14-74084378-G-GCCA. GRCh37 (hg19) VCF-style: chr14-74551081-G-GCCA.
Other names: c.14_16dup, p.Leu5_Ala6insVal (NM_001278593.2); c.-612_-610dup (NM_001278594.2).
Identifiers: ClinVar variation 4751127 (VCV004751127.1).
Genomic context (GRCh38, chr14:74,084,378, plus strand): 5'-CATGGTGCCTTGGCACCACCCTCACTCGCCTGCAGGATCCGGGCTCGCACTGCCGCCGCC[G>GCCA]CCAATAGCGCCGCCATGGCTCTCGGCCGCCCTAGCTCCGCACCCCGCGCCTCTACTGCCC-3'

ClinVar aggregate classification (germline): Uncertain significance (1 of 4 stars; one submission).

Submission:

Labcorp Genetics (formerly Invitae), Labcorp
Classification: Uncertain significance. Last evaluated: 2025-08-14. Review status: criteria provided, single submitter. Criteria: Invitae Variant Classification Sherloc (09022015). Collection method: clinical testing. Allele origin: germline.
Comment: This variant, c.14_16dup, results in the insertion of 1 amino acid(s) of the ALDH6A1 protein (p.Leu5_Ala6insVal), but otherwise preserves the integrity of the reading frame. This variant is present in population databases (rs769351258, gnomAD 0.05%). This variant has not been reported in the literature in individuals affected with ALDH6A1-related conditions. In summary, the available evidence is currently insufficient to determine the role of this variant in disease. Therefore, it has been classified as a Variant of Uncertain Significance.